The following is an entry in ClinVar:

NM_021244.5(RRAGD):c.104C>T (p.Pro35Leu)

Genes: RRAGD (Ras related GTP binding D; minus strand), LOC129996831 (ATAC-STARR-seq lymphoblastoid silent region 17394; plus strand). Cytogenetic location: 6q15.
Variant type: single nucleotide variant.
Coding change: c.104C>T on transcript NM_021244.5 (MANE Select); coding-DNA position 104, C replaced by T.
Protein change: p.Pro35Leu; replaces proline 35 with leucine.
Molecular consequence: missense variant.
Genome position (GRCh38, 1-based): chr6:89,411,890, G>A on the plus strand (C>T on the coding strand, the complement: RRAGD is on the minus strand). VCF-style: chr6-89411890-G-A. GRCh37 (hg19) VCF-style: chr6-90121609-G-A.
Other names: short protein forms P35L.
Identifiers: ClinVar variation 3898761 (VCV003898761.1).

ClinVar aggregate classification (germline): Uncertain significance (1 of 4 stars; one submission).

Submission:

GeneDx
Classification: Uncertain significance. Last evaluated: 2024-11-08. Review status: criteria provided, single submitter. Criteria: GeneDx Variant Classification Process June 2021. Collection method: clinical testing. Allele origin: germline. Affected: yes.
Comment: Not observed at significant frequency in large population cohorts (gnomAD); In silico analysis indicates that this missense variant does not alter protein structure/function; Has not been previously published as pathogenic or benign to our knowledge